The following is an entry in ClinVar:

NM_000179.3(MSH6):c.366G>T (p.Glu122Asp)

Gene: MSH6 (mutS homolog 6; plus strand). Cytogenetic location: 2p16.3.
Variant type: single nucleotide variant.
Coding change: c.366G>T on transcript NM_000179.3 (MANE Select); coding-DNA position 366, G replaced by T.
Protein change: p.Glu122Asp; replaces glutamic acid 122 with aspartic acid.
Molecular consequence: missense variant. On other transcripts: 5 prime UTR variant (2), intron variant (1).
Genome position (GRCh38, 1-based): chr2:47,791,032, G>T. VCF-style: chr2-47791032-G-T. GRCh37 (hg19) VCF-style: chr2-48018171-G-T.
Other names: c.-371G>T (NM_001281493.2, NM_001406811.1, NM_001406823.1 and 1 more transcripts); c.-537G>T (NM_001281494.2); c.462G>T, p.Glu154Asp (NM_001406795.1, NM_001406802.1); c.366G>T, p.Glu122Asp (NM_001406796.1, NM_001406798.1, NM_001406800.1 and 6 more transcripts); c.69G>T, p.Glu23Asp (NM_001406797.1, NM_001406801.1, NM_001406805.1 and 10 more transcripts); c.288G>T, p.Glu96Asp (NM_001406804.1); c.-563G>T (NM_001406807.1); c.-629G>T (NM_001406814.1); and 2 more; short protein forms E96D, E154D, E23D, E122D, E66D.
Identifiers: ClinVar variation 1733776 (VCV001733776.2), dbSNP rs774303198, ClinGen allele CA346737018.
Genomic context (GRCh38, chr2:47,791,032, plus strand): 5'-TTACCCCTGGTGGCCTTGTCTGGTTTACAACCACCCCTTTGATGGAACATTCATCCGCGA[G>T]AAAGGGAAATCAGTCCGTGTTCATGTACAGTTTTTTGATGACAGCCCAACAAGGGGCTGG-3'
Protein context (NP_000170.1, residues 112-132): NHPFDGTFIR[Glu122Asp]KGKSVRVHVQ

ClinVar aggregate classification (germline): Uncertain significance (1 of 4 stars; one submission).

Conditions:
Hereditary cancer-predisposing syndrome. Also called: Neoplastic Syndromes, Hereditary; Tumor predisposition; Hereditary Cancer Syndrome; Hereditary neoplastic syndrome. Identifiers: Orphanet 140162, MedGen C0027672, MeSH D009386, MONDO:0015356.

Submission:

Ambry Genetics
Classification: Uncertain significance for Hereditary cancer-predisposing syndrome. Last evaluated: 2021-02-04. Review status: criteria provided, single submitter. Criteria: Ambry Variant Classification Scheme 2023. Collection method: clinical testing. Allele origin: germline.
Comment: The p.E122D variant (also known as c.366G>T), located in coding exon 2 of the MSH6 gene, results from a G to T substitution at nucleotide position 366. The glutamic acid at codon 122 is replaced by aspartic acid, an amino acid with highly similar properties. This amino acid position is not well conserved in available vertebrate species. In addition, this alteration is predicted to be tolerated by in silico analysis. Since supporting evidence is limited at this time, the clinical significance of this alteration remains unclear.